The following is an entry in ClinVar:

ClinVar aggregate classification (germline): Pathogenic (1 of 4 stars; one submission).

Conditions:
Autism spectrum disorder due to AUTS2 deficiency (MRD26). Also called: INTELLECTUAL DEVELOPMENTAL DISORDER, AUTOSOMAL DOMINANT 26. Identifiers: Orphanet 352490, MedGen C4014435, MONDO:0014361, OMIM 615834.

Submission:

Institute of Human Genetics, University of Leipzig Medical Center
Classification: Pathogenic for Autism spectrum disorder due to AUTS2 deficiency. Last evaluated: 2026-01-26. Review status: criteria provided, single submitter. Criteria: ACMG Guidelines, 2015. Collection method: clinical testing. Allele origin: unknown. Inheritance: Autosomal dominant inheritance. Affected: yes.
Comment: Criteria applied: PVS1,PM2

NM_015570.4(AUTS2):c.737del (p.Asn246fs)

Gene: AUTS2 (activator of transcription and developmental regulator AUTS2; plus strand). Cytogenetic location: 7q11.22.
Variant type: Deletion.
Coding change: c.737del on transcript NM_015570.4 (MANE Select); coding-DNA position 737, one base deleted (A; older notation c.737delA).
Protein change: p.Asn246fs; shifts the reading frame from asparagine 246.
Molecular consequence: frameshift variant.
Genome position (GRCh38, 1-based): chr7:70,698,615, A deleted; the last of 3 consecutive A bases (chr7:70,698,613-70,698,615); deleting any one gives the same sequence. VCF-style (leftmost placement, unchanged base first): chr7-70698612-TA-T. GRCh37 (hg19) VCF-style: chr7-70163598-TA-T.
Other names: c.737del, p.Asn246fs (NM_001127231.3); short protein forms N246fs.
Identifiers: ClinVar variation 4819113 (VCV004819113.1).
Genomic context (GRCh38, chr7:70,698,612, plus strand): 5'-CCCTTCTTGTTTTTCAGGCATCAGATGCCAGCTCTGAAAAACTCTTCAACACTGTTATTG[TA>T]AACAAAGGTAAGACCCATTCATTCTCCTGAGTAATGGCTTATTTTTATGTTAGTTTCATT-3'